The following is an entry in ClinVar:

ClinVar aggregate classification (germline): Pathogenic (1 of 4 stars; one submission).

Conditions:
Inborn genetic diseases. Identifiers: MedGen C0950123, MeSH D030342.

Submission:

Ambry Genetics
Classification: Pathogenic for Inborn genetic diseases. Last evaluated: 2017-11-30. Review status: criteria provided, single submitter. Criteria: Ambry Variant Classification Scheme 2023. Collection method: clinical testing. Allele origin: germline.
Comment: The c.2675+1G>A intronic pathogenic mutation results from a G to A substitution one nucleotide after coding exon 4 of the PCDH19 gene. A different substitution at the same nucleotide position (c.2675+1G>C) has been reported in two unrelated patients (Depienne and LeGuern. Hum. Mutat., 2012 Apr;33:627-34; Breuillard D et al. Epilepsy Behav, 2016 Jul;60:75-80). In addition to the clinical data presented in the literature, alterations that disrupt the canonical splice site are expected to cause aberrant splicing, resulting in an abnormal protein or a transcript that is subject to nonsense-mediated mRNA decay. As such, this alteration is classified as a disease-causing mutation.

Literature cited by the submitters: PubMed 22267240; PubMed 27179713.

NM_001184880.2(PCDH19):c.2675+1G>A

Gene: PCDH19 (protocadherin 19; minus strand). Cytogenetic location: Xq22.1.
Variant type: single nucleotide variant.
Coding change: c.2675+1G>A on transcript NM_001184880.2 (MANE Select); the canonical splice donor site of the intron after coding-DNA position 2675, G replaced by A.
Molecular consequence: splice donor variant.
Genome position (GRCh38, 1-based): chrX:100,350,645, C>T on the plus strand (G>A on the coding strand, the complement: PCDH19 is on the minus strand). VCF-style: chrX-100350645-C-T. GRCh37 (hg19) VCF-style: chrX-99605643-C-T.
Other names: c.2534+1G>A (NM_020766.3, NM_001105243.2).
Identifiers: ClinVar variation 1794598 (VCV001794598.2), dbSNP rs2520722295, ClinGen allele CA414001017.
Genomic context (GRCh38, chrX:100,350,645, plus strand): 5'-GTTTTGCTTTTTAATGTTAAATCAAGCTTAGTTGCAGCAATAAGCAAGCAAACCAACATA[C>T]CTCTTGATTAAATGGGCTCGGCTATTCACGTAGTTGGAGTCAAAAGAATAGTTTTCAGTC-3'